The following is an entry in ClinVar:

ClinVar aggregate classification (germline): Uncertain significance. Review status: criteria provided, multiple submitters, no conflicts (2 of 4 stars). 2 submissions from 2 submitters: Uncertain significance (2). Last evaluated 2024-05-02.

Conditions:
KBG syndrome (KBGS). Also called: ANKRD11-Related KBG Syndrome. Identifiers: Orphanet 2332, MedGen C0220687, MONDO:0007846, OMIM 148050.

Allele frequency attached by ClinVar (database versions not stated): gnomAD exomes 0.00001.

Submissions (2):

Labcorp Genetics (formerly Invitae), Labcorp
Classification: Uncertain significance for KBG syndrome. Last evaluated: 2024-05-02. Review status: criteria provided, single submitter. Criteria: Invitae Variant Classification Sherloc (09022015). Collection method: clinical testing. Allele origin: germline.
Comment: This sequence change replaces glycine, which is neutral and non-polar, with aspartic acid, which is acidic and polar, at codon 2126 of the ANKRD11 protein (p.Gly2126Asp). The frequency data for this variant in the population databases is considered unreliable, as metrics indicate poor data quality at this position in the gnomAD database. This variant has not been reported in the literature in individuals affected with ANKRD11-related conditions. ClinVar contains an entry for this variant (Variation ID: 585418). Advanced modeling of protein sequence and biophysical properties (such as structural, functional, and spatial information, amino acid conservation, physicochemical variation, residue mobility, and thermodynamic stability) performed at Invitae indicates that this missense variant is not expected to disrupt ANKRD11 protein function with a negative predictive value of 95%. In summary, the available evidence is currently insufficient to determine the role of this variant in disease. Therefore, it has been classified as a Variant of Uncertain Significance.

Athena Diagnostics
Classification: Uncertain significance. Last evaluated: 2018-04-23. Review status: criteria provided, single submitter. Criteria: Athena Diagnostics Criteria. Collection method: clinical testing. Allele origin: germline.

NM_013275.6(ANKRD11):c.6377G>A (p.Gly2126Asp)

Gene: ANKRD11 (ankyrin repeat domain 11; minus strand). Cytogenetic location: 16q24.3.
Variant type: single nucleotide variant.
Coding change: c.6377G>A on transcript NM_013275.6 (MANE Select); coding-DNA position 6377, G replaced by A.
Protein change: p.Gly2126Asp; replaces glycine 2126 with aspartic acid.
Molecular consequence: missense variant.
Genome position (GRCh38, 1-based): chr16:89,280,165, C>T on the plus strand (G>A on the coding strand, the complement: ANKRD11 is on the minus strand). VCF-style: chr16-89280165-C-T. GRCh37 (hg19) VCF-style: chr16-89346573-C-T.
Other names: c.6377G>A, p.Gly2126Asp (NM_001256182.2, NM_001256183.2); short protein forms G2126D.
Identifiers: ClinVar variation 585418 (VCV000585418.4), dbSNP rs763100566, ClinGen allele CA8241469.